The following is an entry in ClinVar:

NM_020754.4(ARHGAP31):c.1901C>A (p.Ala634Asp)

Gene: ARHGAP31 (Rho GTPase activating protein 31; plus strand). Cytogenetic location: 3q13.33.
Variant type: single nucleotide variant.
Coding change: c.1901C>A on transcript NM_020754.4 (MANE Select); coding-DNA position 1901, C replaced by A.
Protein change: p.Ala634Asp; replaces alanine 634 with aspartic acid.
Molecular consequence: missense variant.
Genome position (GRCh38, 1-based): chr3:119,409,751, C>A. VCF-style: chr3-119409751-C-A. GRCh37 (hg19) VCF-style: chr3-119128598-C-A.
Other names: short protein forms A634D.
Identifiers: ClinVar variation 3423082 (VCV003423082.2).
Genomic context (GRCh38, chr3:119,409,751, plus strand): 5'-AGGGACGAGAGGCTGGTGAGATGGAGTCCAGCACCCTGCAGGAGAGCCCCAGGGCCAGAG[C>A]CGAAGCTGTGCTTCTCCATGAGATGGTAAAGTGCATTCTCCACCTGCTCCAGCCAGGTGG-3'
Protein context (NP_065805.2, residues 624-644): STLQESPRAR[Ala634Asp]EAVLLHEMDE

ClinVar aggregate classification (germline): Uncertain significance. Review status: criteria provided, multiple submitters, no conflicts (2 of 4 stars). 2 submissions from 2 submitters: Uncertain significance (2). Last evaluated 2025-03-27.

Conditions:
Inborn genetic diseases. Identifiers: MedGen C0950123, MeSH D030342.

gnomAD v4.1: 1 of 1,605,804 alleles (0.000062%); highest among the groups gnomAD compares: Non-Finnish European, 0.000085%; no homozygotes.

Submissions (2):

Labcorp Genetics (formerly Invitae), Labcorp
Classification: Uncertain significance. Last evaluated: 2025-03-27. Review status: criteria provided, single submitter. Criteria: Invitae Variant Classification Sherloc (09022015). Collection method: clinical testing. Allele origin: germline.
Comment: This sequence change replaces alanine, which is neutral and non-polar, with aspartic acid, which is acidic and polar, at codon 634 of the ARHGAP31 protein (p.Ala634Asp). This variant is not present in population databases (gnomAD no frequency). This variant has not been reported in the literature in individuals affected with ARHGAP31-related conditions. ClinVar contains an entry for this variant (Variation ID: 3423082). An algorithm developed to predict the effect of missense changes on protein structure and function (PolyPhen-2) suggests that this variant is likely to be tolerated. In summary, the available evidence is currently insufficient to determine the role of this variant in disease. Therefore, it has been classified as a Variant of Uncertain Significance.

Ambry Genetics
Classification: Uncertain significance for Inborn genetic diseases. Last evaluated: 2024-11-26. Review status: criteria provided, single submitter. Criteria: Ambry Variant Classification Scheme 2023. Collection method: clinical testing. Allele origin: germline.